The following is an entry in ClinVar:

ClinVar aggregate classification (germline): Uncertain significance (1 of 4 stars; one submission).

Conditions:
Cardiovascular phenotype. Identifiers: MedGen CN230736.

gnomAD v4.1: 3 of 1,614,044 alleles (0.00019%); highest among the groups gnomAD compares: Non-Finnish European, 0.00025%; no homozygotes.

Submission:

Ambry Genetics
Classification: Uncertain significance for Cardiovascular phenotype. Last evaluated: 2025-06-01. Review status: criteria provided, single submitter. Criteria: Ambry Variant Classification Scheme 2023. Collection method: clinical testing. Allele origin: germline.
Comment: The p.S3424T variant (also known as c.10270T>A), located in coding exon 26 of the APOB gene, results from a T to A substitution at nucleotide position 10270. The serine at codon 3424 is replaced by threonine, an amino acid with similar properties. This amino acid position is conserved. In addition, the in silico prediction for this alteration is inconclusive. Based on the available evidence, the clinical significance of this variant remains unclear.

NM_000384.3(APOB):c.10270T>A (p.Ser3424Thr)

Gene: APOB (apolipoprotein B; minus strand). Cytogenetic location: 2p24.1.
Variant type: single nucleotide variant.
Coding change: c.10270T>A on transcript NM_000384.3 (MANE Select); coding-DNA position 10270, T replaced by A.
Protein change: p.Ser3424Thr; replaces serine 3424 with threonine.
Molecular consequence: missense variant.
Genome position (GRCh38, 1-based): chr2:21,006,598, A>T on the plus strand (T>A on the coding strand, the complement: APOB is on the minus strand). VCF-style: chr2-21006598-A-T. GRCh37 (hg19) VCF-style: chr2-21229470-A-T.
Other names: short protein forms S3424T.
Identifiers: ClinVar variation 3933309 (VCV003933309.1).